The following is an entry in ClinVar:

ClinVar aggregate classification (germline): Likely pathogenic (1 of 4 stars; one submission).

Conditions:
Dilated cardiomyopathy 1G (CMD1G). Identifiers: Orphanet 154, MedGen C1858763, MONDO:0011400, OMIM 604145.
Autosomal recessive limb-girdle muscular dystrophy type 2J (LGMDR10). Also called: MUSCULAR DYSTROPHY, LIMB-GIRDLE, AUTOSOMAL RECESSIVE 10; Limb-girdle muscular dystrophy, type 2J. Identifiers: Orphanet 140922, MedGen C1837342, MONDO:0012127, OMIM 608807.

Submission:

Labcorp Genetics (formerly Invitae), Labcorp
Classification: Likely pathogenic for Dilated cardiomyopathy 1G; Autosomal recessive limb-girdle muscular dystrophy type 2J. Last evaluated: 2024-10-18. Review status: criteria provided, single submitter. Criteria: Invitae Variant Classification Sherloc (09022015). Collection method: clinical testing. Allele origin: germline.
Comment: This sequence change creates a premature translational stop signal (p.Phe7791Valfs*13) in the TTN gene. While this is not anticipated to result in nonsense mediated decay, it is expected to create a truncated TTN protein. This variant is not present in population databases (gnomAD no frequency). This variant has not been reported in the literature in individuals affected with TTN-related conditions. ClinVar contains an entry for this variant (Variation ID: 2134999). This variant is located in the I band of TTN (PMID: 25589632). Truncating variants in this region have been reported in individuals affected with autosomal recessive centronuclear myopathy (PMID: 23975875, internal data). Truncating variants in this region have also been identified in individuals affected with autosomal dominant dilated cardiomyopathy and/or cardio-related conditions (PMID: 27869827, 32964742, internal data). In summary, the currently available evidence indicates that the variant is pathogenic, but additional data are needed to prove that conclusively. Therefore, this variant has been classified as Likely Pathogenic.

Literature cited by the submitters: PubMed 25589632; PubMed 23975875; PubMed 27869827; PubMed 32964742.

NM_001267550.2(TTN):c.23369dup (p.Phe7791fs)

Gene: TTN (titin; minus strand). Cytogenetic location: 2q31.2.
Variant type: Duplication.
Coding change: c.23369dup on transcript NM_001267550.2 (MANE Select); coding-DNA position 23369, one base duplicated (A; older notation c.23369dupA).
Protein change: p.Phe7791fs; shifts the reading frame from phenylalanine 7791.
Molecular consequence: frameshift variant. On other transcripts: intron variant (3).
Genome position (GRCh38, 1-based): chr2:178,720,393, T duplicated on the plus strand (A on the coding strand, the reverse complement: TTN is on the minus strand); the first of 2 consecutive T bases (chr2:178,720,393-178,720,394); duplicating either gives the same sequence. VCF-style (leftmost placement, unchanged base first): chr2-178720392-C-CT. GRCh37 (hg19) VCF-style: chr2-179585119-C-CT.
Other names: c.22418dup, p.Phe7474fs (NM_001256850.1); c.19637dup, p.Phe6547fs (NM_133378.4); c.13282+17689dup (NM_003319.4); c.13858+17689dup (NM_133437.4); c.13657+17689dup (NM_133432.3); short protein forms F6547fs, F7474fs, F7791fs.
Identifiers: ClinVar variation 2134999 (VCV002134999.4), dbSNP rs2529354074, ClinGen allele CA2580065182.
Genomic context (GRCh38, chr2:178,720,392, plus strand): 5'-GCAAGAACAGATAGGAGGAAGGGGCATATATTTTTGTGTCCATGTATACAAACCTTTGAA[C>CT]TTGACAGAGCAAGAACACGTGTCACTTCCCACCTCATTAGTAGCTTTGCAGTGATATTCC-3'